The following is an entry in ClinVar:

NM_198525.3(KIF7):c.2613G>C (p.Glu871Asp)

Gene: KIF7 (kinesin family member 7; minus strand). Cytogenetic location: 15q26.1.
Variant type: single nucleotide variant.
Coding change: c.2613G>C on transcript NM_198525.3 (MANE Select); coding-DNA position 2613, G replaced by C.
Protein change: p.Glu871Asp; replaces glutamic acid 871 with aspartic acid.
Molecular consequence: missense variant.
Genome position (GRCh38, 1-based): chr15:89,633,246, C>G on the plus strand (G>C on the coding strand, the complement: KIF7 is on the minus strand). VCF-style: chr15-89633246-C-G. GRCh37 (hg19) VCF-style: chr15-90176477-C-G.
Other names: c.2613G>C (NM_198525.2); short protein forms E871D.
Identifiers: ClinVar variation 2064142 (VCV002064142.8), dbSNP rs370595622, ClinGen allele CA393758846.

ClinVar aggregate classification (germline): Uncertain significance. Review status: criteria provided, multiple submitters, no conflicts (2 of 4 stars). 4 submissions from 4 submitters: Uncertain significance (4). Last evaluated 2025-05-03.

Conditions:
Inborn genetic diseases. Identifiers: MedGen C0950123, MeSH D030342.
Acrocallosal syndrome (ACLS). Also called: HALLUX DUPLICATION, POSTAXIAL POLYDACTYLY, AND ABSENCE OF CORPUS CALLOSUM; Schinzel syndrome 1; Absence of corpus callosum with unusual facial appearance, mental deficiency, duplication of the halluces and polydactyly. Identifiers: Orphanet 36, MedGen C0796147, MONDO:0008708, OMIM 200990.
KIF7-related disorder. Also called: KIF7-related condition.

Submissions (4):

Labcorp Genetics (formerly Invitae), Labcorp
Classification: Uncertain significance for Acrocallosal syndrome. Last evaluated: 2025-05-03. Review status: criteria provided, single submitter. Criteria: Invitae Variant Classification Sherloc (09022015). Collection method: clinical testing. Allele origin: germline.
Comment: This sequence change replaces glutamic acid, which is acidic and polar, with aspartic acid, which is acidic and polar, at codon 871 of the KIF7 protein (p.Glu871Asp). This variant is not present in population databases (gnomAD no frequency). This variant has not been reported in the literature in individuals affected with KIF7-related conditions. ClinVar contains an entry for this variant (Variation ID: 2064142). Invitae Evidence Modeling of protein sequence and biophysical properties (such as structural, functional, and spatial information, amino acid conservation, physicochemical variation, residue mobility, and thermodynamic stability) has been performed for this missense variant. However, the output from this modeling did not meet the statistical confidence thresholds required to predict the impact of this variant on KIF7 protein function. In summary, the available evidence is currently insufficient to determine the role of this variant in disease. Therefore, it has been classified as a Variant of Uncertain Significance.

PreventionGenetics, part of Exact Sciences
Classification: Uncertain significance for KIF7-related condition. Last evaluated: 2023-08-10. Review status: criteria provided, single submitter. Criteria: ACMG Guidelines, 2015. Collection method: clinical testing. Allele origin: germline.
Comment: The KIF7 c.2613G>C variant is predicted to result in the amino acid substitution p.Glu871Asp. To our knowledge, this variant has not been reported in the literature or in a large population database, indicating this variant is rare. At this time, the clinical significance of this variant is uncertain due to the absence of conclusive functional and genetic evidence.

Ambry Genetics
Classification: Uncertain significance for Inborn genetic diseases. Last evaluated: 2023-02-15. Review status: criteria provided, single submitter. Criteria: Ambry Variant Classification Scheme 2023. Collection method: clinical testing. Allele origin: germline.

Blueprint Genetics
Classification: Uncertain significance. Last evaluated: 2022-10-12. Review status: criteria provided, single submitter. Criteria: ACMG Guidelines, 2015. Collection method: clinical testing. Allele origin: germline.